The following is an entry in ClinVar:

ClinVar aggregate classification (germline): Uncertain significance. Review status: criteria provided, multiple submitters, no conflicts (2 of 4 stars). 3 submissions from 3 submitters: Uncertain significance (3). Last evaluated 2022-08-11.

Conditions:
Lissencephaly 4 (LIS4). Also called: Lissencephaly 4 (with microcephaly). Identifiers: Orphanet 1083, MedGen C3151461, MONDO:0013527, OMIM 614019.
Inborn genetic diseases. Identifiers: MedGen C0950123, MeSH D030342.

gnomAD v4.1: 32 of 1,614,206 alleles (0.002%); highest among the groups gnomAD compares: Non-Finnish European, 0.0024%; no homozygotes.

Submissions (3):

Ambry Genetics
Classification: Uncertain significance for Inborn genetic diseases. Last evaluated: 2022-08-11. Review status: criteria provided, single submitter. Criteria: Ambry Variant Classification Scheme 2023. Collection method: clinical testing. Allele origin: germline.

GeneDx
Classification: Uncertain significance. Last evaluated: 2019-12-18. Review status: criteria provided, single submitter. Criteria: GeneDx Variant Classification Process June 2021. Collection method: clinical testing. Allele origin: germline. Affected: yes.
Comment: Not observed at a significant frequency in large population cohorts (Lek et al., 2016); In silico analysis, which includes protein predictors and evolutionary conservation, supports that this variant does not alter protein structure/function; Has not been previously published as pathogenic or benign to our knowledge

Illumina Laboratory Services, Illumina
Classification: Uncertain significance for Lissencephaly 4. Last evaluated: 2018-01-12. Review status: criteria provided, single submitter. Criteria: ICSL Variant Classification Criteria 13 December 2019. Collection method: clinical testing. Allele origin: germline.

NM_017668.3(NDE1):c.832G>C (p.Val278Leu)

Gene: NDE1 (nudE neurodevelopment protein 1; plus strand). Cytogenetic location: 16p13.11.
Variant type: single nucleotide variant.
Coding change: c.832G>C on transcript NM_017668.3 (MANE Select); coding-DNA position 832, G replaced by C.
Protein change: p.Val278Leu; replaces valine 278 with leucine.
Molecular consequence: missense variant.
Genome position (GRCh38, 1-based): chr16:15,696,745, G>C. VCF-style: chr16-15696745-G-C. GRCh37 (hg19) VCF-style: chr16-15790602-G-C.
Other names: c.832G>C, p.Val278Leu (NM_001143979.2); short protein forms V278L.
Identifiers: ClinVar variation 318067 (VCV000318067.8), dbSNP rs199730431, ClinGen allele CA7920868.